The following is an entry in ClinVar:

NM_003742.4(ABCB11):c.2044T>C (p.Phe682Leu)

Gene: ABCB11 (ATP binding cassette subfamily B member 11; minus strand). Cytogenetic location: 2q31.1.
Variant type: single nucleotide variant.
Coding change: c.2044T>C on transcript NM_003742.4 (MANE Select); coding-DNA position 2044, T replaced by C.
Protein change: p.Phe682Leu; replaces phenylalanine 682 with leucine.
Molecular consequence: missense variant.
Genome position (GRCh38, 1-based): chr2:168,968,458, A>G on the plus strand (T>C on the coding strand, the complement: ABCB11 is on the minus strand). VCF-style: chr2-168968458-A-G. GRCh37 (hg19) VCF-style: chr2-169824968-A-G.
Other names: short protein forms F682L.
Identifiers: ClinVar variation 4993279 (VCV004993279.1).

ClinVar aggregate classification (germline): Uncertain significance (1 of 4 stars; one submission).

Conditions:
ABCB11-related disorder. Also called: ABCB11-related condition.

Submission:

PreventionGenetics, part of Exact Sciences
Classification: Uncertain significance for ABCB11-related condition. Last evaluated: 2026-08-05. Review status: criteria provided, single submitter. Criteria: ACMG Guidelines, 2015. Collection method: clinical testing. Allele origin: germline.
Comment: The ABCB11 c.2044T>C variant is predicted to result in the amino acid substitution p.Phe682Leu. To our knowledge, this variant has not been reported in the literature or in a large population database (gnomAD), indicating this variant is rare. At this time, the clinical significance of this variant is uncertain due to the absence of conclusive functional and genetic evidence.